The following is an entry in ClinVar:

ClinVar aggregate classification (germline): Likely pathogenic. Review status: criteria provided, multiple submitters, no conflicts (2 of 4 stars). 3 submissions from 3 submitters: Likely pathogenic (3). Last evaluated 2025-12-24.

Conditions:
CNGB1-related disorder. Also called: CNGB1-related condition.
Retinitis pigmentosa 45 (RP45). Identifiers: Orphanet 791, MedGen C3151066, MONDO:0013413, OMIM 613767.

Allele frequency attached by ClinVar (database versions not stated): gnomAD 0.00003; TOPMed 0.00003; gnomAD exomes 0.00004 and 0.00005; ExAC 0.00006; ESP Exome Variant Server 0.00008.
gnomAD v4.1: 80 of 1,614,054 alleles (0.005%); highest among the groups gnomAD compares: Non-Finnish European, 0.0059%; no homozygotes.

Submissions (3):

Labcorp Genetics (formerly Invitae), Labcorp
Classification: Likely pathogenic. Last evaluated: 2025-12-24. Review status: criteria provided, single submitter. Criteria: Invitae Variant Classification Sherloc (09022015). Collection method: clinical testing. Allele origin: germline.
Comment: This sequence change affects an acceptor splice site in intron 15 of the CNGB1 gene. It is expected to disrupt RNA splicing. Variants that disrupt the donor or acceptor splice site typically lead to a loss of protein function (PMID: 16199547), and loss-of-function variants in CNGB1 are known to be pathogenic (PMID: 15557452, 24043777). This variant is present in population databases (rs373232101, gnomAD 0.006%). Disruption of this splice site has been observed in individual(s) with retinitis pigmentosa (PMID: 31980526). ClinVar contains an entry for this variant (Variation ID: 841809). Algorithms developed to predict the effect of sequence changes on RNA splicing suggest that this variant may disrupt the consensus splice site. In summary, the currently available evidence indicates that the variant is pathogenic, but additional data are needed to prove that conclusively. Therefore, this variant has been classified as Likely Pathogenic.

Blueprint Genetics
Classification: Likely pathogenic for CNGB1-related disorders. Last evaluated: 2024-07-09. Review status: criteria provided, single submitter. Criteria: ACMG Guidelines, 2015. Collection method: clinical testing. Allele origin: germline. Affected: yes. Observed: 5 variant alleles.

Fulgent Genetics
Classification: Likely pathogenic for Retinitis pigmentosa 45. Last evaluated: 2022-03-18. Review status: criteria provided, single submitter. Criteria: ACMG Guidelines, 2015. Collection method: clinical testing. Allele origin: unknown.

Literature cited by the submitters: PubMed 16199547 (cited by Labcorp Genetics (formerly Invitae), Labcorp); PubMed 15557452 (cited by Labcorp Genetics (formerly Invitae), Labcorp); PubMed 24043777 (cited by Labcorp Genetics (formerly Invitae), Labcorp); PubMed 31980526 (cited by Labcorp Genetics (formerly Invitae), Labcorp).

NM_001297.5(CNGB1):c.1210-2A>G

Gene: CNGB1 (cyclic nucleotide gated channel subunit beta 1; minus strand). Cytogenetic location: 16q21.
Variant type: single nucleotide variant.
Coding change: c.1210-2A>G on transcript NM_001297.5 (MANE Select); the canonical splice acceptor site of the intron before coding-DNA position 1210, A replaced by G.
Molecular consequence: splice acceptor variant.
Genome position (GRCh38, 1-based): chr16:57,939,594, T>C on the plus strand (A>G on the coding strand, the complement: CNGB1 is on the minus strand). VCF-style: chr16-57939594-T-C. GRCh37 (hg19) VCF-style: chr16-57973498-T-C.
Other names: c.1192-2A>G (NM_001286130.2).
Identifiers: ClinVar variation 841809 (VCV000841809.9), dbSNP rs373232101, ClinGen allele CA8083494.